The following is an entry in ClinVar:

ClinVar aggregate classification (germline): Uncertain significance. Review status: criteria provided, multiple submitters, no conflicts (2 of 4 stars). 2 submissions from 2 submitters: Uncertain significance (2). Last evaluated 2026-02-20.

Conditions:
Gastrointestinal stromal tumor. Also called: Gastrointestinal stromal tumor, somatic; Gastrointestinal stroma tumor. Identifiers: Orphanet 44890, MedGen C0238198, MeSH D046152, MONDO:0011719, OMIM 606764, HP:0100723.
Hereditary cancer-predisposing syndrome. Also called: Hereditary Cancer Syndrome; Tumor predisposition; Neoplastic Syndromes, Hereditary; Hereditary neoplastic syndrome. Identifiers: Orphanet 140162, MedGen C0027672, MeSH D009386, MONDO:0015356.

Allele frequency attached by ClinVar (database versions not stated): gnomAD exomes below 0.00001.
gnomAD v4.1: 3 of 1,614,052 alleles (0.00019%); highest among the groups gnomAD compares: Non-Finnish European, 0.00017%; no homozygotes.

Submissions (2):

Ambry Genetics
Classification: Uncertain significance for Hereditary cancer-predisposing syndrome. Last evaluated: 2026-02-20. Review status: criteria provided, single submitter. Criteria: Ambry Variant Classification Scheme 2023. Collection method: clinical testing. Allele origin: germline.
Comment: The p.G114A variant (also known as c.341G>C), located in coding exon 2 of the PDGFRA gene, results from a G to C substitution at nucleotide position 341. The glycine at codon 114 is replaced by alanine, an amino acid with similar properties. This amino acid position is highly conserved in available vertebrate species. In addition, the in silico prediction for this alteration is inconclusive. Based on the available evidence, the clinical significance of this variant remains unclear.

Labcorp Genetics (formerly Invitae), Labcorp
Classification: Uncertain significance for Gastrointestinal stromal tumor. Last evaluated: 2023-11-27. Review status: criteria provided, single submitter. Criteria: Invitae Variant Classification Sherloc (09022015). Collection method: clinical testing. Allele origin: germline.
Comment: This sequence change replaces glycine, which is neutral and non-polar, with alanine, which is neutral and non-polar, at codon 114 of the PDGFRA protein (p.Gly114Ala). This variant is not present in population databases (gnomAD no frequency). This variant has not been reported in the literature in individuals affected with PDGFRA-related conditions. ClinVar contains an entry for this variant (Variation ID: 580070). Advanced modeling of protein sequence and biophysical properties (such as structural, functional, and spatial information, amino acid conservation, physicochemical variation, residue mobility, and thermodynamic stability) performed at Invitae indicates that this missense variant is not expected to disrupt PDGFRA protein function with a negative predictive value of 80%. In summary, the available evidence is currently insufficient to determine the role of this variant in disease. Therefore, it has been classified as a Variant of Uncertain Significance.

NM_006206.6(PDGFRA):c.341G>C (p.Gly114Ala)

Gene: PDGFRA (platelet derived growth factor receptor alpha; plus strand). Cytogenetic location: 4q12.
Variant type: single nucleotide variant.
Coding change: c.341G>C on transcript NM_006206.6 (MANE Select); coding-DNA position 341, G replaced by C.
Protein change: p.Gly114Ala; replaces glycine 114 with alanine.
Molecular consequence: missense variant.
Genome position (GRCh38, 1-based): chr4:54,261,386, G>C. VCF-style: chr4-54261386-G-C. GRCh37 (hg19) VCF-style: chr4-55127553-G-C.
Other names: c.341G>C, p.Gly114Ala (NM_001347827.2, NM_001347829.2); c.416G>C, p.Gly139Ala (NM_001347828.2); c.380G>C, p.Gly127Ala (NM_001347830.2); short protein forms G114A, G127A, G139A.
Identifiers: ClinVar variation 580070 (VCV000580070.8), dbSNP rs1560467103, ClinGen allele CA356889028.
Genomic context (GRCh38, chr4:54,261,386, plus strand): 5'-ACACAGGGTTGTACACTTGCTATTACAACCACACTCAGACAGAAGAGAATGAGCTTGAAG[G>C]CAGGCACATTTACATCTATGTGCCAGGTGAGTTGGCTGGGTCTCCAGGACCAAGCTTCTT-3'
Protein context (NP_006197.1, residues 104-124): HTQTEENELE[Gly114Ala]RHIYIYVPDP